The following is an entry in ClinVar:

ClinVar aggregate classification (germline): Pathogenic/Likely pathogenic. Review status: criteria provided, multiple submitters, no conflicts (2 of 4 stars). 6 submissions from 6 submitters: Pathogenic (3); Likely pathogenic (1). 2 of the submissions do not count toward it. Last evaluated 2025-07-09.

Conditions:
Primary ciliary dyskinesia 23 (CILD23). Also called: CILIARY DYSKINESIA, PRIMARY, 23, WITH OR WITHOUT SITUS INVERSUS. Identifiers: Orphanet 244, MedGen C3809548, MONDO:0014193, OMIM 615451.

Allele frequency attached by ClinVar (database versions not stated): gnomAD 0.00003; TOPMed 0.00004; gnomAD exomes 0.00006 and 0.00009; ExAC 0.00007.
gnomAD v4.1: 132 of 1,613,872 alleles (0.0082%); highest among the groups gnomAD compares: Non-Finnish European, 0.011%; no homozygotes.

Submissions (6):

First Genomix Gene Laboratory, Genetic Diagnostics Department
Classification: Pathogenic for Primary ciliary dyskinesia 23. Last evaluated: 2025-07-09. Review status: criteria provided, single submitter. Criteria: ACMG Guidelines, 2015. Collection method: clinical testing. Allele origin: germline. Inheritance: Autosomal recessive inheritance. Affected: no. Observed: 1 variant allele.

Labcorp Genetics (formerly Invitae), Labcorp
Classification: Pathogenic for Primary ciliary dyskinesia 23. Last evaluated: 2021-10-14. Review status: criteria provided, single submitter. Criteria: Invitae Variant Classification Sherloc (09022015). Collection method: clinical testing. Allele origin: germline.
Comment: This sequence change creates a premature translational stop signal (p.Trp740*) in the ARMC4 gene. It is expected to result in an absent or disrupted protein product. Loss-of-function variants in ARMC4 are known to be pathogenic (PMID: 23849778). For these reasons, this variant has been classified as Pathogenic. This premature translational stop signal has been observed in individual(s) with primary ciliary dyskinesia (PMID: 23849778). This variant is present in population databases (rs201213030, ExAC 0.01%).

Lupski Lab, Baylor-Hopkins CMG, Baylor College of Medicine
Classification: Pathogenic for Primary ciliary dyskinesia 23. Last evaluated: 2013-04-03. Review status: criteria provided, single submitter. Criteria: Hjeij et al. (Am J Hum Genet. 2013). Collection method: research. Allele origin: germline. Inheritance: Autosomal recessive inheritance. Affected: yes. Observed: 1 variant allele, 1 compound heterozygote.
Comment: This compound heterzygous mutation was predicted to be loss-of-function.

UNC Molecular Genetics  Laboratory, University of North Carolina at Chapel Hill
Classification: Likely pathogenic for Primary ciliary dyskinesia 23. Review status: criteria provided, single submitter. Criteria: ACMG Guidelines, 2015. Collection method: research. Allele origin: germline. Affected: no. Observed: 1 variant allele. Study: NSIGHT-NC NEXUS.
Comment: The ARMC4 c.2219G>A (p.W740*) nonsense variant is predicted to result in an absent or aberrant protein. This variant has been reported in one individual with primary ciliary dyskinesia (PMID 23849778).

carrier finding

Clinical Genetics DNA and cytogenetics Diagnostics Lab, Erasmus MC, Erasmus Medical Center
Classification: Pathogenic. Review status: no assertion criteria provided. Collection method: clinical testing. Allele origin: germline. Affected: yes. Study: VKGL Data-share Consensus. Not counted in ClinVar's aggregate classification.

Genome Diagnostics Laboratory, Amsterdam University Medical Center
Classification: Pathogenic. Review status: no assertion criteria provided. Collection method: clinical testing. Allele origin: germline. Affected: yes. Study: VKGL Data-share Consensus. Not counted in ClinVar's aggregate classification.

Literature cited by the submitters: PubMed 23849778 (cited by Labcorp Genetics (formerly Invitae), Labcorp and UNC Molecular Genetics  Laboratory, University of North Carolina at Chapel Hill).

NM_018076.5(ODAD2):c.2219G>A (p.Trp740Ter)

Gene: ODAD2 (outer dynein arm docking complex subunit 2; minus strand). Cytogenetic location: 10p12.1.
Variant type: single nucleotide variant.
Coding change: c.2219G>A on transcript NM_018076.5 (MANE Select); coding-DNA position 2219, G replaced by A.
Protein change: p.Trp740Ter; replaces tryptophan 740 with a stop codon.
Molecular consequence: nonsense.
Genome position (GRCh38, 1-based): chr10:27,936,759, C>T on the plus strand (G>A on the coding strand, the complement: ODAD2 is on the minus strand). VCF-style: chr10-27936759-C-T. GRCh37 (hg19) VCF-style: chr10-28225688-C-T.
Other names: c.2219G>A, p.Trp740Ter (NM_001290020.2); c.794G>A, p.Trp265Ter (NM_001290021.2); c.1295G>A, p.Trp432Ter (NM_001312689.2); short protein forms W740*, W265*, W432*.
Identifiers: ClinVar variation 242859 (VCV000242859.12), dbSNP rs201213030, ClinGen allele CA5453275.
Genomic context (GRCh38, chr10:27,936,759, plus strand): 5'-TTCAGAATATTGAGAGCCTTCTCTTACTTGGTAACATTCTCTTTGCTGATGGAACATTTC[C>T]ATATAGCCCCTGTGACAGCAGCTAACCGCTCTTTATTGTCAGTGTTATTGAGTAGACTGG-3'